The following is an entry in ClinVar:

ClinVar aggregate classification (germline): Likely benign. Review status: criteria provided, multiple submitters, no conflicts (2 of 4 stars). 3 submissions from 3 submitters: Likely benign (3). Last evaluated 2024-03-02.

Conditions:
Inborn genetic diseases. Identifiers: MedGen C0950123, MeSH D030342.
Charcot-Marie-Tooth disease axonal type 2F (CMT2F). Also called: CHARCOT-MARIE-TOOTH DISEASE, NEURONAL, TYPE 2F; Charcot-Marie-Tooth Neuropathy Type 2F. Identifiers: Orphanet 99940, MedGen C1847823, MONDO:0011687, OMIM 606595.

Allele frequency attached by ClinVar (database versions not stated): gnomAD 0.00001; gnomAD exomes 0.00001; ExAC 0.00003; TOPMed 0.00004.

Submissions (3):

Labcorp Genetics (formerly Invitae), Labcorp
Classification: Likely benign for Charcot-Marie-Tooth disease axonal type 2F. Last evaluated: 2024-03-02. Review status: criteria provided, single submitter. Criteria: Invitae Variant Classification Sherloc (09022015). Collection method: clinical testing. Allele origin: germline.

Ambry Genetics
Classification: Likely benign for Inborn genetic diseases. Last evaluated: 2019-07-11. Review status: criteria provided, single submitter. Criteria: Ambry Variant Classification Scheme 2023. Collection method: clinical testing. Allele origin: germline.

GeneDx
Classification: Likely benign. Last evaluated: 2017-03-02. Review status: criteria provided, single submitter. Criteria: GeneDx Variant Classification (06012015). Collection method: clinical testing. Allele origin: germline. Affected: yes.
Comment: This variant is considered likely benign or benign based on one or more of the following criteria: it is a conservative change, it occurs at a poorly conserved position in the protein, it is predicted to be benign by multiple in silico algorithms, and/or has population frequency not consistent with disease.

NM_001540.5(HSPB1):c.84C>T (p.Leu28=)

Gene: HSPB1 (heat shock protein family B (small) member 1; plus strand). Cytogenetic location: 7q11.23.
Variant type: single nucleotide variant.
Coding change: c.84C>T on transcript NM_001540.5 (MANE Select); coding-DNA position 84, C replaced by T.
Protein change: p.Leu28=; no amino-acid change (leucine 28 retained).
Molecular consequence: synonymous variant.
Genome position (GRCh38, 1-based): chr7:76,302,796, C>T. VCF-style: chr7-76302796-C-T. GRCh37 (hg19) VCF-style: chr7-75932113-C-T.
Other names: c.84C>T (LRG_248t1).
Identifiers: ClinVar variation 507783 (VCV000507783.5), dbSNP rs778672047, ClinGen allele CA4306249.